The following is an entry in ClinVar:

ClinVar aggregate classification (germline): Uncertain significance. Review status: criteria provided, multiple submitters, no conflicts (2 of 4 stars). 2 submissions from 2 submitters: Uncertain significance (2). Last evaluated 2026-04-02.

Conditions:
Cardiovascular phenotype. Identifiers: MedGen CN230736.
Ehlers-Danlos syndrome, kyphoscoliotic type, 2. Also called: Ehlers-Danlos syndrome, kyphoscoliotic and deafness type; Ehlers-Danlos syndrome with progressive kyphoscoliosis, myopathy, and hearing loss; FKBP14-Kyphoscoliotic Ehlers-Danlos Syndrome. Identifiers: Orphanet 300179, MedGen C3281160, MONDO:0013800, OMIM 614557.

Allele frequency attached by ClinVar (database versions not stated): gnomAD exomes 0.00001; ExAC 0.00001.
gnomAD v4.1: 8 of 1,611,824 alleles (0.0005%); highest among the groups gnomAD compares: Admixed American, 0.0017%; no homozygotes.

Submissions (2):

Ambry Genetics
Classification: Uncertain significance for Cardiovascular phenotype. Last evaluated: 2026-04-02. Review status: criteria provided, single submitter. Criteria: Ambry Variant Classification Scheme 2023. Collection method: clinical testing. Allele origin: germline.
Comment: The p.D181E variant (also known as c.543T>A), located in coding exon 4 of the FKBP14 gene, results from a T to A substitution at nucleotide position 543. The aspartic acid at codon 181 is replaced by glutamic acid, an amino acid with highly similar properties. This amino acid position is conserved. In addition, this alteration is predicted to be tolerated by in silico analysis. Based on the available evidence, the clinical significance of this variant remains unclear.

Labcorp Genetics (formerly Invitae), Labcorp
Classification: Uncertain significance for Ehlers-Danlos syndrome, kyphoscoliotic type, 2. Last evaluated: 2021-08-28. Review status: criteria provided, single submitter. Criteria: Invitae Variant Classification Sherloc (09022015). Collection method: clinical testing. Allele origin: germline.
Comment: This sequence change replaces aspartic acid with glutamic acid at codon 181 of the FKBP14 protein (p.Asp181Glu). The aspartic acid residue is moderately conserved and there is a small physicochemical difference between aspartic acid and glutamic acid. This variant is present in population databases (rs776599954, ExAC 0.002%). This variant has not been reported in the literature in individuals affected with FKBP14-related conditions. Algorithms developed to predict the effect of missense changes on protein structure and function (SIFT, PolyPhen-2, Align-GVGD) all suggest that this variant is likely to be tolerated. In summary, the available evidence is currently insufficient to determine the role of this variant in disease. Therefore, it has been classified as a Variant of Uncertain Significance.

NM_017946.4(FKBP14):c.543T>A (p.Asp181Glu)

Genes: FKBP14 (FKBP prolyl isomerase 14; minus strand), FKBP14-AS1 (FKBP14 antisense RNA 1; plus strand). Cytogenetic location: 7p14.3.
Variant type: single nucleotide variant.
Coding change: c.543T>A on transcript NM_017946.4 (MANE Select); coding-DNA position 543, T replaced by A.
Protein change: p.Asp181Glu; replaces aspartic acid 181 with glutamic acid.
Molecular consequence: missense variant. On other transcripts: non-coding transcript variant (2).
Genome position (GRCh38, 1-based): chr7:30,014,828, A>T on the plus strand (T>A on the coding strand, the complement: FKBP14 is on the minus strand). VCF-style: chr7-30014828-A-T. GRCh37 (hg19) VCF-style: chr7-30054444-A-T.
Other names: c.543T>A (NM_017946.2); short protein forms D181E.
Identifiers: ClinVar variation 1423949 (VCV001423949.6), dbSNP rs776599954, ClinGen allele CA4203377.
Genomic context (GRCh38, chr7:30,014,828, plus strand): 5'-GGCAGATATAAACCCATCTTTGTCTTCATCTTCTTTATCAAAAATATCCTCCACCAAAGC[A>T]TCATGATGACTTTCATTCACCACCGCACCATGTTTTTCAAACTCCTTCTTTAAATATGCT-3'
Protein context (NP_060416.1, residues 171-191): HGAVVNESHH[Asp181Glu]ALVEDIFDKE